The following is an entry in ClinVar:

ClinVar aggregate classification (germline): Uncertain significance. Review status: criteria provided, multiple submitters, no conflicts (2 of 4 stars). 4 submissions from 4 submitters: Uncertain significance (4). Last evaluated 2025-09-30.

Conditions:
Mitochondrial myopathy-lactic acidosis-deafness syndrome. Identifiers: Orphanet 2597, MedGen C1855033, MONDO:0016825, OMIM 251950.
Inborn genetic diseases. Identifiers: MedGen C0950123, MeSH D030342.

Allele frequency attached by ClinVar (database versions not stated): gnomAD 0.00009; TOPMed 0.00009; ESP Exome Variant Server 0.00023; ExAC 0.00002.

Submissions (4):

Mayo Clinic Laboratories, Mayo Clinic
Classification: Uncertain significance. Last evaluated: 2025-09-30. Review status: criteria provided, single submitter. Criteria: ACMG Guidelines, 2015. Collection method: clinical testing. Allele origin: germline. Observed: 1 variant allele.
Comment: BP4

Labcorp Genetics (formerly Invitae), Labcorp
Classification: Uncertain significance. Last evaluated: 2025-01-06. Review status: criteria provided, single submitter. Criteria: Invitae Variant Classification Sherloc (09022015). Collection method: clinical testing. Allele origin: germline.
Comment: This sequence change replaces valine, which is neutral and non-polar, with alanine, which is neutral and non-polar, at codon 310 of the PNPLA8 protein (p.Val310Ala). This variant is present in population databases (rs143802109, gnomAD 0.01%). This variant has not been reported in the literature in individuals affected with PNPLA8-related conditions. ClinVar contains an entry for this variant (Variation ID: 1805799). An algorithm developed to predict the effect of missense changes on protein structure and function (PolyPhen-2) suggests that this variant is likely to be disruptive. In summary, the available evidence is currently insufficient to determine the role of this variant in disease. Therefore, it has been classified as a Variant of Uncertain Significance.

Ambry Genetics
Classification: Uncertain significance for Inborn genetic diseases. Last evaluated: 2024-09-26. Review status: criteria provided, single submitter. Criteria: Ambry Variant Classification Scheme 2023. Collection method: clinical testing. Allele origin: germline.

Victorian Clinical Genetics Services, Murdoch Childrens Research Institute
Classification: Uncertain significance for Mitochondrial myopathy-lactic acidosis-deafness syndrome. Last evaluated: 2020-05-21. Review status: criteria provided, single submitter. Criteria: ACMG Guidelines, 2015. Collection method: clinical testing. Allele origin: germline. Inheritance: Autosomal recessive inheritance. Affected: yes.
Comment: A heterozygous missense variant was identified, NM_001256007.2(PNPLA8):c.929T>C in exon 3 of 11 of the PNPLA8 gene. This substitution is predicted to create a minor amino acid change from valine to alanine at position 310 of the protein, NP_001242936.1(PNPLA8):p.(Val310Ala). The valine at this position has very high conservation (100 vertebrates, UCSC), but is not situated in a known functional domain. In silico software predicts this variant to be disease causing (Polyphen, SIFT, CADD, Mutation Taster). The variant is present in the gnomAD population database at a frequency of 0.0050% (14 heterozygotes, 0 homozygotes). The variant has not been previously reported in clinical cases. Based on information available at the time of curation, this variant has been classified as a VARIANT of UNCERTAIN SIGNIFICANCE (VUS). Legend: (P) - Pathogenic, (N) - Neutral, (B) - Benign

NM_001256007.3(PNPLA8):c.929T>C (p.Val310Ala)

Gene: PNPLA8 (patatin like domain 8, phospholipase A2; minus strand). Cytogenetic location: 7q31.1.
Variant type: single nucleotide variant.
Coding change: c.929T>C on transcript NM_001256007.3 (MANE Select); coding-DNA position 929, T replaced by C.
Protein change: p.Val310Ala; replaces valine 310 with alanine.
Molecular consequence: missense variant.
Genome position (GRCh38, 1-based): chr7:108,514,563, A>G on the plus strand (T>C on the coding strand, the complement: PNPLA8 is on the minus strand). VCF-style: chr7-108514563-A-G. GRCh37 (hg19) VCF-style: chr7-108155007-A-G.
Other names: p.Val310Ala; c.929T>C, p.Val310Ala (NM_001256008.3, NM_001256009.3, NM_015723.5); c.629T>C, p.Val210Ala (NM_001256010.3, NM_001256011.3); c.929T>C (NM_015723.2); short protein forms V210A, V310A.
Identifiers: ClinVar variation 1805799 (VCV001805799.7), dbSNP rs143802109, ClinGen allele CA4439722.
Genomic context (GRCh38, chr7:108,514,563, plus strand): 5'-GTTTTAGCAGGCTCTTCCTGTTCTTCTGACTGACTCTTTGAATCATACTTTAATTTGGGG[A>G]CAAGTCCACCAATATAACCACCTACTAAAGCTTGTACACCTTCCGTGGGACGAGAAAGAA-3'
Protein context (NP_001242936.1, residues 300-320): ALVGGYIGGL[Val310Ala]PKLKYDSKSQ